The following is an entry in ClinVar:

NM_182914.3(SYNE2):c.1571A>G (p.Lys524Arg)

Gene: SYNE2 (spectrin repeat containing nuclear envelope protein 2; plus strand). Cytogenetic location: 14q23.2.
Variant type: single nucleotide variant.
Coding change: c.1571A>G on transcript NM_182914.3 (MANE Select); coding-DNA position 1571, A replaced by G.
Protein change: p.Lys524Arg; replaces lysine 524 with arginine.
Molecular consequence: missense variant.
Genome position (GRCh38, 1-based): chr14:63,980,655, A>G. VCF-style: chr14-63980655-A-G. GRCh37 (hg19) VCF-style: chr14-64447373-A-G.
Other names: c.1571A>G, p.Lys524Arg (NM_015180.6); short protein forms K524R.
Identifiers: ClinVar variation 3323904 (VCV003323904.2).
Genomic context (GRCh38, chr14:63,980,655, plus strand): 5'-ATTTCTTGGCACAATTTTAAAAGTAAAAACTGTCAATATGTTTTTTGTTTTCTTCCCAGA[A>G]ATTTATTGAAGAAAAAGAATTCCTAGCTCGACTTGATACTTCTTTTCAAAAATGTGGAGA-3'
Protein context (NP_878918.2, residues 514-534): SVELLLEDWH[Lys524Arg]FIEEKEFLAR

ClinVar aggregate classification (germline): Uncertain significance. Review status: criteria provided, multiple submitters, no conflicts (2 of 4 stars). 2 submissions from 2 submitters: Uncertain significance (2). Last evaluated 2026-05-27.

Conditions:
SYNE2-related disorder. Also called: SYNE2-related condition.

Submissions (2):

PreventionGenetics, part of Exact Sciences
Classification: Uncertain significance for SYNE2-related condition. Last evaluated: 2026-05-27. Review status: criteria provided, single submitter. Criteria: ACMG Guidelines, 2015. Collection method: clinical testing. Allele origin: germline.
Comment: The SYNE2 c.1571A>G variant is predicted to result in the amino acid substitution p.Lys524Arg. To our knowledge, this variant has not been reported in the literature. This variant is reported in 0.0047% of alleles in individuals of European (non-Finnish) descent in gnomAD. At this time, the clinical significance of this variant is uncertain due to the absence of conclusive functional and genetic evidence.

Ambry Genetics
Classification: Uncertain significance. Last evaluated: 2024-06-18. Review status: criteria provided, single submitter. Criteria: Ambry Variant Classification Scheme 2023. Collection method: clinical testing. Allele origin: germline.